The following is an entry in ClinVar:

ClinVar aggregate classification (germline): Pathogenic/Likely pathogenic. Review status: criteria provided, multiple submitters, no conflicts (2 of 4 stars). 3 submissions from 3 submitters: Pathogenic (2); Likely pathogenic (1). Last evaluated 2023-06-14.

Conditions:
CNGB1-related disorder. Also called: CNGB1-related condition.

Allele frequency attached by ClinVar (database versions not stated): gnomAD exomes below 0.00001; gnomAD 0.00001; TOPMed 0.00001.
gnomAD v4.1: 2 of 1,613,996 alleles (0.00012%); highest among the groups gnomAD compares: African/African-American, 0.0027%; no homozygotes.

Submissions (3):

Labcorp Genetics (formerly Invitae), Labcorp
Classification: Pathogenic. Last evaluated: 2023-06-14. Review status: criteria provided, single submitter. Criteria: Invitae Variant Classification Sherloc (09022015). Collection method: clinical testing. Allele origin: germline.
Comment: For these reasons, this variant has been classified as Pathogenic. ClinVar contains an entry for this variant (Variation ID: 287054). This variant has not been reported in the literature in individuals affected with CNGB1-related conditions. This variant is present in population databases (no rsID available, gnomAD 0.007%). This sequence change creates a premature translational stop signal (p.Gln710*) in the CNGB1 gene. It is expected to result in an absent or disrupted protein product. Loss-of-function variants in CNGB1 are known to be pathogenic (PMID: 15557452, 24043777).

Blueprint Genetics
Classification: Likely pathogenic for CNGB1-related disorders. Last evaluated: 2021-03-27. Review status: criteria provided, single submitter. Criteria: ACMG Guidelines, 2015. Collection method: clinical testing. Allele origin: germline. Affected: yes. Observed: 1 variant allele.

Eurofins Ntd Llc (ga)
Classification: Pathogenic. Last evaluated: 2016-04-14. Review status: criteria provided, single submitter. Criteria: EGL Classification Definitions 2015. Collection method: clinical testing. Allele origin: germline. Observed: 1 variant allele, 1 heterozygote.

Literature cited by the submitters: PubMed 15557452 (cited by Labcorp Genetics (formerly Invitae), Labcorp); PubMed 24043777 (cited by Labcorp Genetics (formerly Invitae), Labcorp).

NM_001297.5(CNGB1):c.2128C>T (p.Gln710Ter)

Gene: CNGB1 (cyclic nucleotide gated channel subunit beta 1; minus strand). Cytogenetic location: 16q21.
Variant type: single nucleotide variant.
Coding change: c.2128C>T on transcript NM_001297.5 (MANE Select); coding-DNA position 2128, C replaced by T.
Protein change: p.Gln710Ter; replaces glutamine 710 with a stop codon.
Molecular consequence: nonsense.
Genome position (GRCh38, 1-based): chr16:57,917,306, G>A on the plus strand (C>T on the coding strand, the complement: CNGB1 is on the minus strand). VCF-style: chr16-57917306-G-A. GRCh37 (hg19) VCF-style: chr16-57951210-G-A.
Other names: c.2110C>T, p.Gln704Ter (NM_001286130.2); short protein forms Q710*, Q704*.
Identifiers: ClinVar variation 287054 (VCV000287054.14), dbSNP rs754786301, ClinGen allele CA10605660.